The following is an entry in ClinVar:

NM_020461.4(TUBGCP6):c.2140G>C (p.Val714Leu)

Gene: TUBGCP6 (tubulin gamma complex component 6; minus strand). Cytogenetic location: 22q13.33.
Variant type: single nucleotide variant.
Coding change: c.2140G>C on transcript NM_020461.4 (MANE Select); coding-DNA position 2140, G replaced by C.
Protein change: p.Val714Leu; replaces valine 714 with leucine.
Molecular consequence: missense variant.
Genome position (GRCh38, 1-based): chr22:50,224,346, C>G on the plus strand (G>C on the coding strand, the complement: TUBGCP6 is on the minus strand). VCF-style: chr22-50224346-C-G. GRCh37 (hg19) VCF-style: chr22-50662775-C-G.
Other names: short protein forms V714L.
Identifiers: ClinVar variation 2018229 (VCV002018229.4), dbSNP rs2519147351, ClinGen allele CA412102877.
Genomic context (GRCh38, chr22:50,224,346, plus strand): 5'-AATCAGAACTGACAGGCGTGACCCCGCAGGGACAGGTCCTACCCACCTCCTGGTCCTTCA[C>G]AAATTGTTCTTTCAGCCTCTGAAACTGCTCACGCTTCCGGGCATCCAAGGCCATCCGTTC-3'
Protein context (NP_065194.3, residues 704-724): EQFQRLKEQF[Val714Leu]KDQERRQAAR

ClinVar aggregate classification (germline): Uncertain significance (1 of 4 stars; one submission).

Submission:

Labcorp Genetics (formerly Invitae), Labcorp
Classification: Uncertain significance. Last evaluated: 2021-12-14. Review status: criteria provided, single submitter. Criteria: Invitae Variant Classification Sherloc (09022015). Collection method: clinical testing. Allele origin: germline.
Comment: In summary, the available evidence is currently insufficient to determine the role of this variant in disease. Therefore, it has been classified as a Variant of Uncertain Significance. Algorithms developed to predict the effect of missense changes on protein structure and function output the following: SIFT: "Tolerated"; PolyPhen-2: "Benign"; Align-GVGD: "Class C0". The leucine amino acid residue is found in multiple mammalian species, which suggests that this missense change does not adversely affect protein function. This variant has not been reported in the literature in individuals affected with TUBGCP6-related conditions. This variant is not present in population databases (gnomAD no frequency). This sequence change replaces valine, which is neutral and non-polar, with leucine, which is neutral and non-polar, at codon 714 of the TUBGCP6 protein (p.Val714Leu).